The following is an entry in ClinVar:

ClinVar aggregate classification (germline): Uncertain significance (1 of 4 stars; one submission).

Conditions:
Early-infantile DEE. Also called: Ohtahara syndrome; Early infantile epileptic encephalopathy; Early infantile epileptic encephalopathy with suppression bursts. Identifiers: Orphanet 1934, MedGen C0393706, MONDO:0800491.

Allele frequency attached by ClinVar (database versions not stated): gnomAD exomes below 0.00001; gnomAD 0.00001; TOPMed 0.00001.
gnomAD v4.1: 3 of 1,612,368 alleles (0.00019%); highest among the groups gnomAD compares: Non-Finnish European, 0.00025%; no homozygotes.

Submission:

Labcorp Genetics (formerly Invitae), Labcorp
Classification: Uncertain significance for Early-infantile DEE. Last evaluated: 2025-07-30. Review status: criteria provided, single submitter. Criteria: Invitae Variant Classification Sherloc (09022015). Collection method: clinical testing. Allele origin: germline.
Comment: This sequence change falls in intron 6 of the KCNH5 gene. It does not directly change the encoded amino acid sequence of the KCNH5 protein. It affects a nucleotide within the consensus splice site. This variant is present in population databases (no rsID available, gnomAD 0.0009%). This variant has not been reported in the literature in individuals affected with KCNH5-related conditions. ClinVar contains an entry for this variant (Variation ID: 1496702). Variants that disrupt the consensus splice site are a relatively common cause of aberrant splicing (PMID: 17576681, 9536098). Algorithms developed to predict the effect of sequence changes on RNA splicing suggest that this variant is not likely to affect RNA splicing. In summary, the available evidence is currently insufficient to determine the role of this variant in disease. Therefore, it has been classified as a Variant of Uncertain Significance.

Literature cited by the submitters: PubMed 17576681; PubMed 9536098.

NM_139318.5(KCNH5):c.942+5G>A

Gene: KCNH5 (potassium voltage-gated channel subfamily H member 5; minus strand). Cytogenetic location: 14q23.2.
Variant type: single nucleotide variant.
Coding change: c.942+5G>A on transcript NM_139318.5 (MANE Select); 5 bases into the intron after coding-DNA position 942, G replaced by A.
Molecular consequence: intron variant.
Genome position (GRCh38, 1-based): chr14:62,980,867, C>T on the plus strand (G>A on the coding strand, the complement: KCNH5 is on the minus strand). VCF-style: chr14-62980867-C-T. GRCh37 (hg19) VCF-style: chr14-63447585-C-T.
Other names: c.942+5G>A (NM_172375.3).
Identifiers: ClinVar variation 1496702 (VCV001496702.7), dbSNP rs1265529041, ClinGen allele CA614738392.